The following is an entry in ClinVar:

NM_005591.4(MRE11):c.1360A>G (p.Met454Val)

Gene: MRE11 (MRE11 double strand break repair nuclease; minus strand). Cytogenetic location: 11q21.
Variant type: single nucleotide variant.
Coding change: c.1360A>G on transcript NM_005591.4 (MANE Select); coding-DNA position 1360, A replaced by G.
Protein change: p.Met454Val; replaces methionine 454 with valine.
Molecular consequence: missense variant.
Genome position (GRCh38, 1-based): chr11:94,459,548, T>C on the plus strand (A>G on the coding strand, the complement: MRE11 is on the minus strand). VCF-style: chr11-94459548-T-C. GRCh37 (hg19) VCF-style: chr11-94192714-T-C.
Other names: c.1360A>G, p.Met454Val (NM_001330347.2, NM_005590.4); c.1360A>G (NM_005591.3); short protein forms M454V.
Identifiers: ClinVar variation 1681584 (VCV001681584.10), dbSNP rs2134991449, ClinGen allele CA382372001.

ClinVar aggregate classification (germline): Uncertain significance. Review status: criteria provided, multiple submitters, no conflicts (2 of 4 stars). 3 submissions from 3 submitters: Uncertain significance (3). Last evaluated 2024-04-20.

Conditions:
Ataxia-telangiectasia-like disorder (ATLD). Identifiers: MedGen C1858391, MONDO:0011457.
Hereditary cancer-predisposing syndrome. Also called: Hereditary neoplastic syndrome; Neoplastic Syndromes, Hereditary; Tumor predisposition; Hereditary Cancer Syndrome. Identifiers: Orphanet 140162, MedGen C0027672, MeSH D009386, MONDO:0015356.
Ataxia-telangiectasia-like disorder 1 (ATLD1). Identifiers: Orphanet 251347, MedGen C4012790, MONDO:0024557, OMIM 604391.

Submissions (3):

Fulgent Genetics
Classification: Uncertain significance for Ataxia-telangiectasia-like disorder 1. Last evaluated: 2024-04-20. Review status: criteria provided, single submitter. Criteria: ACMG Guidelines, 2015. Collection method: clinical testing. Allele origin: germline.

Ambry Genetics
Classification: Uncertain significance for Hereditary cancer-predisposing syndrome. Last evaluated: 2023-03-29. Review status: criteria provided, single submitter. Criteria: Ambry Variant Classification Scheme 2023. Collection method: clinical testing. Allele origin: germline.
Comment: The p.M454V variant (also known as c.1360A>G), located in coding exon 12 of the MRE11A gene, results from an A to G substitution at nucleotide position 1360. The methionine at codon 454 is replaced by valine, an amino acid with highly similar properties. This amino acid position is conserved. In addition, the in silico prediction for this alteration is inconclusive. Since supporting evidence is limited at this time, the clinical significance of this alteration remains unclear.

Labcorp Genetics (formerly Invitae), Labcorp
Classification: Uncertain significance for Ataxia-telangiectasia-like disorder. Last evaluated: 2021-04-05. Review status: criteria provided, single submitter. Criteria: Invitae Variant Classification Sherloc (09022015). Collection method: clinical testing. Allele origin: germline.
Comment: Algorithms developed to predict the effect of sequence changes on RNA splicing suggest that this variant may create or strengthen a splice site, but this prediction has not been confirmed by published transcriptional studies. Algorithms developed to predict the effect of missense changes on protein structure and function (SIFT, PolyPhen-2, Align-GVGD) all suggest that this variant is likely to be tolerated, but these predictions have not been confirmed by published functional studies and their clinical significance is uncertain. This variant has not been reported in the literature in individuals with MRE11-related conditions. This variant is not present in population databases (ExAC no frequency). This sequence change replaces methionine with valine at codon 454 of the MRE11 protein (p.Met454Val). The methionine residue is moderately conserved and there is a small physicochemical difference between methionine and valine. In summary, the available evidence is currently insufficient to determine the role of this variant in disease. Therefore, it has been classified as a Variant of Uncertain Significance.